The following is an entry in ClinVar:

NM_003680.4(YARS1):c.1228G>C (p.Val410Leu)

Gene: YARS1 (tyrosyl-tRNA synthetase 1; minus strand). Cytogenetic location: 1p35.1.
Variant type: single nucleotide variant.
Coding change: c.1228G>C on transcript NM_003680.4 (MANE Select); coding-DNA position 1228, G replaced by C.
Protein change: p.Val410Leu; replaces valine 410 with leucine.
Molecular consequence: missense variant.
Genome position (GRCh38, 1-based): chr1:32,780,191, C>G on the plus strand (G>C on the coding strand, the complement: YARS1 is on the minus strand). VCF-style: chr1-32780191-C-G. GRCh37 (hg19) VCF-style: chr1-33245792-C-G.
Other names: short protein forms V410L.
Identifiers: ClinVar variation 3665994 (VCV003665994.2).

ClinVar aggregate classification (germline): Uncertain significance (1 of 4 stars; one submission).

Conditions:
Charcot-Marie-Tooth disease dominant intermediate C (CMTDIC). Also called: CHARCOT-MARIE-TOOTH NEUROPATHY, DOMINANT INTERMEDIATE C. Identifiers: Orphanet 100045, MedGen C1842237, MONDO:0012012, OMIM 608323.

gnomAD v4.1: 1 of 1,614,154 alleles (0.000062%); highest among the groups gnomAD compares: South Asian, 0.0011%; no homozygotes.

Submission:

Labcorp Genetics (formerly Invitae), Labcorp
Classification: Uncertain significance for Charcot-Marie-Tooth disease dominant intermediate C. Last evaluated: 2024-10-07. Review status: criteria provided, single submitter. Criteria: Invitae Variant Classification Sherloc (09022015). Collection method: clinical testing. Allele origin: germline.
Comment: This sequence change replaces valine, which is neutral and non-polar, with leucine, which is neutral and non-polar, at codon 410 of the YARS protein (p.Val410Leu). This variant is present in population databases (rs146393022, gnomAD 0.003%). This variant has not been reported in the literature in individuals affected with YARS-related conditions. Invitae Evidence Modeling of protein sequence and biophysical properties (such as structural, functional, and spatial information, amino acid conservation, physicochemical variation, residue mobility, and thermodynamic stability) indicates that this missense variant is not expected to disrupt YARS protein function with a negative predictive value of 80%. In summary, the available evidence is currently insufficient to determine the role of this variant in disease. Therefore, it has been classified as a Variant of Uncertain Significance.